The following continues an entry in ClinVar:

NM_001322934.2(NFKB2):c.2467-9T>A

Gene: NFKB2. ClinVar aggregate classification (germline): Benign. Benign (6).

Submissions 32 to 46 of 46:

Dr. Peter K. Rogan Lab, Western University
No classification provided (evidence only). Condition: Ovarian serous cystadenocarcinoma. Review status: no classification provided. Collection method: in vitro. Allele origin: not applicable. Functional consequence: retained intron. Not counted in ClinVar's aggregate classification.

Dr. Peter K. Rogan Lab, Western University
No classification provided (evidence only). Condition: Ovarian serous cystadenocarcinoma. Review status: no classification provided. Collection method: in vitro. Allele origin: not applicable. Functional consequence: retained intron. Not counted in ClinVar's aggregate classification.

Dr. Peter K. Rogan Lab, Western University
No classification provided (evidence only). Condition: Ovarian serous cystadenocarcinoma. Review status: no classification provided. Collection method: in vitro. Allele origin: not applicable. Functional consequence: retained intron. Not counted in ClinVar's aggregate classification.

Dr. Peter K. Rogan Lab, Western University
No classification provided (evidence only). Condition: Gastric cancer. Review status: no classification provided. Collection method: in vitro. Allele origin: not applicable. Functional consequence: retained intron. Not counted in ClinVar's aggregate classification.

Dr. Peter K. Rogan Lab, Western University
No classification provided (evidence only). Condition: Gastric cancer. Review status: no classification provided. Collection method: in vitro. Allele origin: not applicable. Functional consequence: retained intron. Not counted in ClinVar's aggregate classification.

Dr. Peter K. Rogan Lab, Western University
No classification provided (evidence only). Condition: Gastric cancer. Review status: no classification provided. Collection method: in vitro. Allele origin: not applicable. Functional consequence: retained intron. Not counted in ClinVar's aggregate classification.

Dr. Peter K. Rogan Lab, Western University
No classification provided (evidence only). Condition: Gastric cancer. Review status: no classification provided. Collection method: in vitro. Allele origin: not applicable. Functional consequence: retained intron. Not counted in ClinVar's aggregate classification.

Dr. Peter K. Rogan Lab, Western University
No classification provided (evidence only). Condition: Uterine carcinosarcoma. Review status: no classification provided. Collection method: in vitro. Allele origin: not applicable. Functional consequence: retained intron. Not counted in ClinVar's aggregate classification.

Dr. Peter K. Rogan Lab, Western University
No classification provided (evidence only). Condition: Uterine carcinosarcoma. Review status: no classification provided. Collection method: in vitro. Allele origin: not applicable. Functional consequence: retained intron. Not counted in ClinVar's aggregate classification.

Dr. Peter K. Rogan Lab, Western University
No classification provided (evidence only). Condition: Malignant tumor of esophagus. Review status: no classification provided. Collection method: in vitro. Allele origin: not applicable. Functional consequence: retained intron. Not counted in ClinVar's aggregate classification.

Dr. Peter K. Rogan Lab, Western University
No classification provided (evidence only). Condition: Malignant tumor of esophagus. Review status: no classification provided. Collection method: in vitro. Allele origin: not applicable. Functional consequence: retained intron. Not counted in ClinVar's aggregate classification.

Dr. Peter K. Rogan Lab, Western University
No classification provided (evidence only). Condition: Malignant tumor of esophagus. Review status: no classification provided. Collection method: in vitro. Allele origin: not applicable. Functional consequence: retained intron. Not counted in ClinVar's aggregate classification.

Dr. Peter K. Rogan Lab, Western University
No classification provided (evidence only). Condition: Malignant tumor of esophagus. Review status: no classification provided. Collection method: in vitro. Allele origin: not applicable. Functional consequence: retained intron. Not counted in ClinVar's aggregate classification.

Dr. Peter K. Rogan Lab, Western University
No classification provided (evidence only). Condition: Malignant tumor of esophagus. Review status: no classification provided. Collection method: in vitro. Allele origin: not applicable. Functional consequence: retained intron. Not counted in ClinVar's aggregate classification.

Dr. Peter K. Rogan Lab, Western University
No classification provided (evidence only). Condition: Lymphoma. Review status: no classification provided. Collection method: in vitro. Allele origin: not applicable. Functional consequence: retained intron. Not counted in ClinVar's aggregate classification.